The following continues an entry in ClinVar:

NM_000195.5(HPS1):c.972dup (p.Met325fs)

ClinVar aggregate classification (germline): Pathogenic/Likely pathogenic. Pathogenic (20); Likely pathogenic (1).

Submissions 15 to 25 of 25:

Pittsburgh Clinical Genomics Laboratory, University of Pittsburgh Medical Center
Classification: Pathogenic for Hermansky-Pudlak syndrome 1. Last evaluated: 2023-08-16. Review status: criteria provided, single submitter. Criteria: ACMG Guidelines, 2015. Collection method: clinical testing. Allele origin: germline. Inheritance: Autosomal recessive inheritance. Affected: yes.
Comment: This sequence variant is a single nucleotide duplication (dupC) at coding position 972 of the HPS1 gene that results in an early termition sigl 128 codons downstream of the frameshift at Met325. As it occurs in exon 11 of 20, this variant is predicted to generate a non-functiol allele through either the expression of a truncated protein or a loss of HPS1 expression due to nonsense-mediated decay. This is a previously reported variant (ClinVar 5278) that has been observed in homozygous or compound heterozygous state in many individuals and families affected by Hermansky-Pudlak syndrome (PMID: 8896559, 12442288, 14510955, 15952982, 16185271, 31141302, 31619213). This variant is present in 46 of 175586 alleles (0.0262%) in the gnomAD population dataset. Haploinsufficiency in HPS1 is a known mechanism of disease. Based upon the evidence, we consider this variant to be pathogenic. ACMG Criteria: BP2, PM3, PS4, PVS1

Broad Center for Mendelian Genomics, Broad Institute of MIT and Harvard
Classification: Pathogenic for Hermansky-Pudlak syndrome. Last evaluated: 2021-11-29. Review status: criteria provided, single submitter. Criteria: ACMG Guidelines, 2015. Collection method: curation. Allele origin: germline. Inheritance: Autosomal recessive inheritance.
Comment: The p.Met325fs (c.972dup) variant in HPS1 has been reported in at least 9 individuals with Hermansky-Pudlak syndrome (PMID: 9497254, 14510955, 16185271, 31141302, 8896559), segregated with disease in 5 affected relatives from 1 family (PMID: 8896559) and has been identified in 0.04% (26/71358) of European (non-Finnish) chromosomes by the Genome Aggregation Database (gnomAD; dbSNP ID: rs281865083). Although this variant has been seen in the general population in a heterozygous state, its frequency is not high enough to rule out a pathogenic role. It is of note that this variant occurs in a homopolymer repeat, which could indicate that it exists as an artifact from sequencing. However, disease-causing variants have been reported in homopolymer regions, so this is not enough to rule out a pathogenic role. This variant has also been reported in ClinVar (Variation ID#: 5278) and has been interpreted as likely pathogenic or pathogenic by NIHR Bioresource Rare Diseases (University of Cambridge), GeneDx, Laboratory for Molecular Medicine (Partners HealthCare Personalized Medicine), Institute of Human Genetics (University of Leipzig Medical Center), Center for Pediatric Genomic Medicine (Children's Mercy Hospital and Clinics), OMIM, Natera, Inc., NIHR Bioresource Rare Diseases (University of Cambridge), Invitae, and GeneReviews. Of the at least 9 affected individuals, 3 of those were homozygotes, which increases the likelihood that the p.Met325fs variant is pathogenic (PMID: 8896559, 9497254). In vitro functional studies provide some evidence that the p.Met325fs variant may slightly impact protein function (PMID: 14510955). However, these types of assays may not accurately represent biological function. This variant is predicted to cause a frameshift, which alters the protein’s amino acid sequence beginning at position 325 and leads to a premature termination codon 128 amino acids downstream. This alteration is then predicted to lead to a truncated or absent protein. Loss of function of the HPS1 gene is an established disease mechanism in autosomal recessive Hermansky-Pudlak syndrome. In summary, this variant meets criteria to be classified as pathogenic for autosomal recessive Hermansky-Pudlak syndrome. ACMG/AMP Criteria applied: PM3, PP1_strong, PVS1, PS3_moderate (Richards 2015).

NIHR Bioresource Rare Diseases, University of Cambridge
Classification: Likely pathogenic for Hermansky-Pudlak syndrome. Last evaluated: 2019-02-01. Review status: criteria provided, single submitter. Criteria: ACMG Guidelines, 2015. Collection method: research. Allele origin: unknown. Affected: yes. Observed: 1 compound heterozygote, 4 homozygotes. Study: ThromboGenomics.

Institute of Human Genetics, University of Leipzig Medical Center
Classification: Pathogenic for Hermansky-Pudlak syndrome 1. Last evaluated: 2019-01-01. Review status: criteria provided, single submitter. Criteria: ACMG Guidelines, 2015. Collection method: clinical testing. Allele origin: unknown. Affected: yes.

Laboratory for Molecular Medicine, Mass General Brigham Personalized Medicine
Classification: Pathogenic for Hermansky-Pudlak syndrome. Last evaluated: 2017-02-27. Review status: criteria provided, single submitter. Criteria: LMM Criteria. Collection method: clinical testing. Allele origin: germline. Inheritance: Autosomal recessive inheritance. Observed: 1 variant allele.
Comment: The p.Met325fs variant in HPS1 has been reported in 5 Caucasian and 3 Japanese i ndividuals with Hermansky-Pudlak syndrome (Oh 1996, Oh 1998, Gonzalez-Conejero 2 003, Ito 2005). Three individuals were homozygous for this variant and 5 were co mpound heterozygous with a second truncating variant in HPS1. The homozygous all ele also segregated with disease in 5 additional family members in a consanguine ous Swiss family (Oh 1996). This variant has been reported in ClinVar (Variation ID 5278). This variant has been identified in 0.4% (31/8034) of European chromo somes by the Exome Aggregation Consortium (ExAC; dbSNP rs281865083). This frequency is low enough to be consistent with a recess ive carrier frequency. In vitro functional studies provide some evidence that th e p.Met325fs variant may impact protein function (Gonzalez-Conejero 2003). This variant is predicted to cause a frameshift, which alters the protein?s amino aci d sequence beginning at position 325 and leads to a premature termination codon 128 amino acids downstream. This alteration is then predicted to lead to a trunc ated or absent protein. In summary, this variant meets criteria to be classified as pathogenic for HPS in an autosomal recessive manner based upon prevalence in cases and segregation studies.

Center for Pediatric Genomic Medicine, Children's Mercy Hospital and Clinics
Classification: Pathogenic for Hermansky-Pudlak syndrome 1. Review status: criteria provided, single submitter. Criteria: ACMG Guidelines, 2015. Collection method: clinical testing. Allele origin: unknown. Affected: yes.

ISTH-SSC Genomics in Thrombosis and Hemostasis, KU Leuven, Center for Molecular and Vascular Biology
Classification: Pathogenic for Hermansky-Pudlak syndrome 1. Review status: criteria provided, single submitter. Criteria: ACMG Guidelines, 2015. Collection method: clinical testing. Allele origin: germline. Affected: yes. Observed: 1 homozygote.
Comment: Submitted to the GoldVariant database by Kathleen Freson, Center for Molecular and Vascular Biology

PreventionGenetics, part of Exact Sciences
Classification: Pathogenic for HPS1-related condition. Last evaluated: 2024-08-11. Review status: no assertion criteria provided. Collection method: clinical testing. Allele origin: germline. Not counted in ClinVar's aggregate classification.
Comment: The HPS1 c.972dupC variant is predicted to result in a frameshift and premature protein termination (p.Met325Hisfs*128). This variant has been reported in the homozygous and compound heterozygous states in individuals with Hermansky-Pudlak syndrome (referred to as Pro 324 frameshift, Oh et al. 1996. PubMed ID: 8896559; Okamura et al. 2019. PubMed ID: 31141302; Table S1, Wei et al. 2022. PubMed ID: 34838614). This variant is reported in 0.036% of alleles in individuals of European (Non-Finnish) descent in gnomAD. Frameshift variants in HPS1 are expected to be pathogenic. This variant is interpreted as pathogenic.

OMIM
Classification: Pathogenic for HERMANSKY-PUDLAK SYNDROME 1. Last evaluated: 1998-03-01. Review status: no assertion criteria provided. Collection method: literature only. Allele origin: germline. Not counted in ClinVar's aggregate classification.

GeneReviews
No classification provided. Condition: Hermansky-Pudlak syndrome 1. Review status: no classification provided. Collection method: literature only. Allele origin: germline. Not counted in ClinVar's aggregate classification.

NIHR Bioresource Rare Diseases, University of Cambridge
Classification: Pathogenic for Hermansky-Pudlak syndrome 1. Review status: no assertion criteria provided. Collection method: research. Allele origin: unknown. Affected: yes. Observed: 1 variant allele. Not counted in ClinVar's aggregate classification.

Literature cited by the submitters: PubMed 30791930 (cited by Otogenetics); PubMed 31064749 (cited by Otogenetics and NIHR Bioresource Rare Diseases, University of Cambridge); PubMed 31249973 (cited by Otogenetics); PubMed 29345414 (cited by Natera, Inc.); PubMed 12442288 (cited by Labcorp Genetics (formerly Invitae), Labcorp and Pittsburgh Clinical Genomics Laboratory, University of Pittsburgh Medical Center); PubMed 16185271 (cited by 3 submitters); PubMed 8896559 (cited by 6 submitters); PubMed 14510955 (cited by 3 submitters); PubMed 15952982 (cited by Labcorp Genetics (formerly Invitae), Labcorp and Pittsburgh Clinical Genomics Laboratory, University of Pittsburgh Medical Center); PubMed 8274781 (cited by Dasa and OMIM); PubMed 9497254 (cited by 4 submitters); PubMed 41428507 (cited by Laboratory of Genetic Epidemiology, Research Centre for Medical Genetics); PubMed 34838614 (cited by Women's Health and Genetics/Laboratory Corporation of America, LabCorp); PubMed 31619213 (cited by Pittsburgh Clinical Genomics Laboratory, University of Pittsburgh Medical Center); PubMed 31141302 (cited by Pittsburgh Clinical Genomics Laboratory, University of Pittsburgh Medical Center and Center for Pediatric Genomic Medicine, Children's Mercy Hospital and Clinics); PubMed 20301464 (cited by Center for Pediatric Genomic Medicine, Children's Mercy Hospital and Clinics); NCBI Bookshelf NBK1287 (cited by GeneReviews); PubMed 32581362 (cited by NIHR Bioresource Rare Diseases, University of Cambridge).